The following is an entry in ClinVar:

NM_015443.4(KANSL1):c.2956_2957del (p.Gly986fs)

Gene: KANSL1 (KAT8 regulatory NSL complex subunit 1). Cytogenetic location: 17q21.31.
Variant type: Deletion.
Coding change: c.2956_2957del on transcript NM_015443.4 (MANE Select); coding-DNA positions 2956 to 2957, 2 bases deleted.
Protein change: p.Gly986fs; shifts the reading frame from glycine 986.
Molecular consequence: frameshift variant.
Genome position: GRCh38 VCF-style: chr17-46032179-ACC-A. GRCh37 (hg19) VCF-style: chr17-44109545-ACC-A.
Other names: c.2953_2954del, p.Gly985fs (NM_001193465.2); c.2956_2957del, p.Gly986fs (NM_001193466.2, NM_001379198.1); short protein forms G985fs, G986fs.
Identifiers: ClinVar variation 818001 (VCV000818001.1), dbSNP rs1598441446, ClinGen allele CA915950166.
Genomic context (GRCh38, chr17:46,032,179, plus strand): 5'-AGCCACAGGGGTGAGGGGTGCTGAGTGCAGTTCCGGGCTAATGGGGCTCCTAGGGGACTG[ACC>A]ATGGGAGTATTCTGACAAAGAGTGGCTACTGCTGACATCAGGGGAGGCAGGCTGGGGGGT-3'

ClinVar aggregate classification (germline): Pathogenic (1 of 4 stars; one submission).

Submission:

GeneDx
Classification: Pathogenic. Last evaluated: 2019-02-01. Review status: criteria provided, single submitter. Criteria: GeneDx Variant Classification (06012015). Collection method: clinical testing. Allele origin: germline. Affected: yes.
Comment: The c.2956_2957delGG variant in the KANSL1 gene has not been reported previously as a pathogenic variant nor as a benign variant, to our knowledge. The c.2956_2957delGG variant causes a frameshift starting with codon Glycine 986, changes this amino acid to a Serine residue, and creates a premature Stop codon at position 4 of the new reading frame, denoted p.Gly986SerfsX4. This variant is predicted to cause loss of normal protein function either through protein truncation or nonsense-mediated mRNA decay. This variant is not observed in large population cohorts (Lek et al., 2016). We interpret c.2956_2957delGG as a pathogenic variant.